The following is an entry in ClinVar:

NM_000051.4(ATM):c.186-18C>T

Gene: ATM (ATM serine/threonine kinase; plus strand). Cytogenetic location: 11q22.3.
Variant type: single nucleotide variant.
Coding change: c.186-18C>T on transcript NM_000051.4 (MANE Select); 18 bases into the intron before coding-DNA position 186, C replaced by T.
Molecular consequence: intron variant.
Genome position (GRCh38, 1-based): chr11:108,229,160, C>T. VCF-style: chr11-108229160-C-T. GRCh37 (hg19) VCF-style: chr11-108099887-C-T.
Other names: c.186-18C>T (NM_001351834.2, NM_001351835.2, NM_001351836.2).
Identifiers: ClinVar variation 490443 (VCV000490443.7), dbSNP rs1410616583, ClinGen allele CA658683705.

ClinVar aggregate classification (germline): Likely benign. Review status: criteria provided, multiple submitters, no conflicts (2 of 4 stars). 3 submissions from 3 submitters: Likely benign (3). Last evaluated 2024-04-17.

Conditions:
Hereditary cancer-predisposing syndrome. Also called: Tumor predisposition; Neoplastic Syndromes, Hereditary; Hereditary Cancer Syndrome; Hereditary neoplastic syndrome. Identifiers: Orphanet 140162, MedGen C0027672, MeSH D009386, MONDO:0015356.
Familial cancer of breast. Also called: BREAST CANCER, FAMILIAL; hereditary breast carcinoma; Hereditary breast cancer. Identifiers: Orphanet 227535, MedGen C0346153, MONDO:0016419, OMIM 114480. Disease mechanism: loss of function.
Ataxia-telangiectasia syndrome (AT). Also called: Ataxia-telangiectasia; Ataxia-telangiectasia, complementation group D; AT, COMPLEMENTATION GROUP C; LOUIS-BAR SYNDROME; Cerebello-oculocutaneous telangiectasia; Immunodeficiency with ataxia telangiectasia. Identifiers: Orphanet 100, MedGen C0004135, MONDO:0008840, OMIM 208900.

Allele frequency attached by ClinVar (database versions not stated): TOPMed 0.00001.

Submissions (3):

Myriad Genetics, Inc.
Classification: Likely benign for Familial cancer of breast. Last evaluated: 2024-04-17. Review status: criteria provided, single submitter. Criteria: Myriad Autosomal Dominant, Autosomal Recessive and X-Linked Classification Criteria (2023). Collection method: clinical testing. Allele origin: unknown.
Comment: This variant is considered likely benign. This variant is intronic and is not expected to impact mRNA splicing.

Labcorp Genetics (formerly Invitae), Labcorp
Classification: Likely benign for Ataxia-telangiectasia syndrome. Last evaluated: 2023-09-04. Review status: criteria provided, single submitter. Criteria: Invitae Variant Classification Sherloc (09022015). Collection method: clinical testing. Allele origin: germline.

Color Diagnostics, LLC DBA Color Health
Classification: Likely benign for Hereditary cancer-predisposing syndrome. Last evaluated: 2016-06-14. Review status: criteria provided, single submitter. Criteria: ACMG Guidelines, 2015. Collection method: clinical testing. Allele origin: germline.